The following is an entry in ClinVar:

ClinVar aggregate classification (germline): Likely benign (1 of 4 stars; one submission).

Conditions:
Renal hypomagnesemia 4. Also called: HYPOMAGNESEMIA, RENAL, NORMOCALCIURIC. Identifiers: Orphanet 34527, MedGen C2673648, MONDO:0012717, OMIM 611718.

Allele frequency attached by ClinVar (database versions not stated): gnomAD 0.00727 and 0.00776; TOPMed 0.00828; 1000 Genomes Project 0.00978; 1000 Genomes Project 30x 0.01093.
gnomAD v4.1: 1,096 of 152,248 alleles (0.72%); highest among the groups gnomAD compares: African/African-American, 2.5%; 20 homozygotes.

Submission:

Illumina Laboratory Services, Illumina
Classification: Likely benign for Renal hypomagnesemia 4. Last evaluated: 2017-04-27. Review status: criteria provided, single submitter. Criteria: ICSL Variant Classification Criteria 13 December 2019. Collection method: clinical testing. Allele origin: germline.
Comment: This variant was observed as part of a predisposition screen in an ostensibly healthy population. A literature search was performed for the gene, cDNA change, and amino acid change (where applicable). No publications were found based on this search. Allele frequency data from public databases allowed determination this variant is unlikely to cause disease. Therefore, this variant is classified as likely benign.

NM_001963.6(EGF):c.*1266T>A

Gene: EGF (epidermal growth factor; plus strand). Cytogenetic location: 4q25.
Variant type: single nucleotide variant.
Coding change: c.*1266T>A on transcript NM_001963.6 (MANE Select); 1266 bases downstream of the stop codon, T replaced by A.
Molecular consequence: 3 prime UTR variant.
Genome position (GRCh38, 1-based): chr4:110,012,721, T>A. VCF-style: chr4-110012721-T-A. GRCh37 (hg19) VCF-style: chr4-110933877-T-A.
Other names: c.*1266T>A (NM_001178130.3, NM_001178131.3); c.*1409T>A (NM_001357021.2).
Identifiers: ClinVar variation 347285 (VCV000347285.5), dbSNP rs11569150, ClinGen allele CA10616922.
Genomic context (GRCh38, chr4:110,012,721, plus strand): 5'-TTCAGCCTCCCAACGTATTAGATTATAGGCATTAGCCATGGTGCCCAGCCTTGTAACTTT[T>A]AAAAAAATTTTTTAATCTACAACTCTGTAGATTAAAATTTCACATGGTGTTCTAATTAAA-3'